The following is an entry in ClinVar:

ClinVar aggregate classification (germline): Likely benign. Review status: criteria provided, multiple submitters, no conflicts (2 of 4 stars). 2 submissions from 2 submitters: Likely benign (2). Last evaluated 2025-11-08.

Conditions:
Brugada syndrome 8 (BRGDA8). Identifiers: Orphanet 130, MedGen C2751083, MONDO:0013148, OMIM 613123.

Allele frequency attached by ClinVar (database versions not stated): gnomAD exomes below 0.00001 and 0.00001; gnomAD 0.00001; TOPMed 0.00002.
gnomAD v4.1: 17 of 1,611,750 alleles (0.0011%); highest among the groups gnomAD compares: Non-Finnish European, 0.0012%; no homozygotes.

Submissions (2):

Labcorp Genetics (formerly Invitae), Labcorp
Classification: Likely benign for Brugada syndrome 8. Last evaluated: 2025-11-08. Review status: criteria provided, single submitter. Criteria: Invitae Variant Classification Sherloc (09022015). Collection method: clinical testing. Allele origin: germline.

GeneDx
Classification: Likely benign. Last evaluated: 2016-02-09. Review status: criteria provided, single submitter. Criteria: GeneDx Variant Classification (06012015). Collection method: clinical testing. Allele origin: germline. Affected: yes.
Comment: This variant is considered likely benign or benign based on one or more of the following criteria: it is a conservative change, it occurs at a poorly conserved position in the protein, it is predicted to be benign by multiple in silico algorithms, and/or has population frequency not consistent with disease.

NM_005477.3(HCN4):c.3468A>G (p.Thr1156=)

Gene: HCN4 (hyperpolarization activated cyclic nucleotide gated potassium channel 4; minus strand). Cytogenetic location: 15q24.1.
Variant type: single nucleotide variant.
Coding change: c.3468A>G on transcript NM_005477.3 (MANE Select); coding-DNA position 3468, A replaced by G.
Protein change: p.Thr1156=; no amino-acid change (threonine 1156 retained).
Molecular consequence: synonymous variant.
Genome position (GRCh38, 1-based): chr15:73,322,625, T>C on the plus strand (A>G on the coding strand, the complement: HCN4 is on the minus strand). VCF-style: chr15-73322625-T-C. GRCh37 (hg19) VCF-style: chr15-73614966-T-C.
Identifiers: ClinVar variation 383673 (VCV000383673.11), dbSNP rs947950341, ClinGen allele CA16607135.